The following is an entry in ClinVar:

ClinVar aggregate classification (germline): Uncertain significance. Review status: criteria provided, multiple submitters, no conflicts (2 of 4 stars). 3 submissions from 3 submitters: Uncertain significance (3). Last evaluated 2025-12-08.

Conditions:
Acute myeloid leukemia (AML). Also called: Leukemia, acute myeloid, somatic; Leukemia, acute myelogenous, somatic; Acute myeloid leukemia, adult; AML adult; Acute non-lymphocytic leukemia; Acute granulocytic leukemia. Identifiers: Orphanet 519, MedGen C0023467, MeSH D015470, MONDO:0018874, OMIM 601626, HP:0004808. Disease mechanism: Constitutively activated FLT3.
Inborn genetic diseases. Identifiers: MedGen C0950123, MeSH D030342.

Submissions (3):

Labcorp Genetics (formerly Invitae), Labcorp
Classification: Uncertain significance for Acute myeloid leukemia. Last evaluated: 2025-12-08. Review status: criteria provided, single submitter. Criteria: Invitae Variant Classification Sherloc (09022015). Collection method: clinical testing. Allele origin: germline.
Comment: This sequence change replaces methionine, which is neutral and non-polar, with leucine, which is neutral and non-polar, at codon 354 of the CEBPA protein (p.Met354Leu). This variant is not present in population databases (gnomAD no frequency). This variant has not been reported in the literature in individuals affected with CEBPA-related conditions. ClinVar contains an entry for this variant (Variation ID: 1450479). An algorithm developed to predict the effect of missense changes on protein structure and function (PolyPhen-2) suggests that this variant is likely to be tolerated. In summary, the available evidence is currently insufficient to determine the role of this variant in disease. Therefore, it has been classified as a Variant of Uncertain Significance.

Ambry Genetics
Classification: Uncertain significance for Inborn genetic diseases. Last evaluated: 2025-02-04. Review status: criteria provided, single submitter. Criteria: Ambry Variant Classification Scheme 2023. Collection method: clinical testing. Allele origin: germline.
Comment: The p.M354L variant (also known as c.1060A>C), located in coding exon 1 of the CEBPA gene, results from an A to C substitution at nucleotide position 1060. The methionine at codon 354 is replaced by leucine, an amino acid with highly similar properties. This amino acid position is highly conserved in available vertebrate species. In addition, this alteration is predicted to be tolerated by in silico analysis. Based on the available evidence, the clinical significance of this variant remains unclear.

GeneDx
Classification: Uncertain significance. Last evaluated: 2022-10-24. Review status: criteria provided, single submitter. Criteria: GeneDx Variant Classification Process June 2021. Collection method: clinical testing. Allele origin: germline. Affected: yes.
Comment: Not observed at significant frequency in large population cohorts (gnomAD); In silico analysis supports that this missense variant does not alter protein structure/function; Has not been previously published as pathogenic or benign to our knowledge; This variant is associated with the following publications: (PMID: 21455213)

NM_004364.5(CEBPA):c.1060A>C (p.Met354Leu)

Gene: CEBPA (CCAAT enhancer binding protein alpha; minus strand). Cytogenetic location: 19q13.11.
Variant type: single nucleotide variant.
Coding change: c.1060A>C on transcript NM_004364.5 (MANE Select); coding-DNA position 1060, A replaced by C.
Protein change: p.Met354Leu; replaces methionine 354 with leucine.
Molecular consequence: missense variant.
Genome position (GRCh38, 1-based): chr19:33,301,355, T>G on the plus strand (A>C on the coding strand, the complement: CEBPA is on the minus strand). VCF-style: chr19-33301355-T-G. GRCh37 (hg19) VCF-style: chr19-33792261-T-G.
Other names: c.703A>C, p.Met235Leu (NM_001285829.2); c.1165A>C, p.Met389Leu (NM_001287424.2); c.1018A>C, p.Met340Leu (NM_001287435.2); c.1060A>C (NM_004364.3); short protein forms M389L, M340L, M235L, M354L.
Identifiers: ClinVar variation 1450479 (VCV001450479.8), dbSNP rs1060502122, ClinGen allele CA405273627.